The following is an entry in ClinVar:

ClinVar aggregate classification (germline): Uncertain significance (1 of 4 stars; one submission).

gnomAD v4.1: 1 of 1,608,054 alleles (0.000062%); highest among the groups gnomAD compares: African/African-American, 0.0013%; no homozygotes.

Submission:

Ambry Genetics
Classification: Uncertain significance. Last evaluated: 2026-08-23. Review status: criteria provided, single submitter. Criteria: Ambry Variant Classification Scheme 2023. Collection method: clinical testing. Allele origin: germline.
Comment: The p.P1383S variant (also known as c.4147C>T), located in coding exon 19 of the WNK2 gene, results from a C to T substitution at nucleotide position 4147. The proline at codon 1383 is replaced by serine, an amino acid with similar properties. This amino acid position is conserved. In addition, this alteration is predicted to be tolerated by in silico analysis. Based on the available evidence, the clinical significance of this variant remains unclear.

NM_006648.4(WNK2):c.4147C>T (p.Pro1383Ser)

Gene: WNK2 (WNK lysine deficient protein kinase 2; plus strand). Cytogenetic location: 9q22.31.
Variant type: single nucleotide variant.
Coding change: c.4147C>T on transcript NM_006648.4 (MANE Select); coding-DNA position 4147, C replaced by T.
Protein change: p.Pro1383Ser; replaces proline 1383 with serine.
Molecular consequence: missense variant.
Genome position (GRCh38, 1-based): chr9:93,288,901, C>T. VCF-style: chr9-93288901-C-T. GRCh37 (hg19) VCF-style: chr9-96051183-C-T.
Other names: c.4258C>T, p.Pro1420Ser (NM_001282394.3); short protein forms P1420S, P1383S.
Identifiers: ClinVar variation 5031948 (VCV005031948.1).